The following is an entry in ClinVar:

ClinVar aggregate classification (germline): Conflicting classifications of pathogenicity. Review status: criteria provided, conflicting classifications (1 of 4 stars). 4 submissions from 4 submitters: Uncertain significance (1); Likely benign (2). 1 of the submissions does not count toward it. Last evaluated 2025-10-31.

Conditions:
WFS1-related disorder. Identifiers: MedGen CN379391, MONDO:0700293.

Allele frequency attached by ClinVar (database versions not stated): gnomAD exomes 0.00002; ExAC 0.00003; gnomAD 0.00004 and 0.00002; TOPMed 0.00007; 1000 Genomes Project 30x 0.00016; 1000 Genomes Project 0.00020.
gnomAD v4.1: 34 of 1,612,620 alleles (0.0021%); highest among the groups gnomAD compares: Middle Eastern, 0.033%; no homozygotes.

Submissions (4):

Labcorp Genetics (formerly Invitae), Labcorp
Classification: Likely benign. Last evaluated: 2025-10-31. Review status: criteria provided, single submitter. Criteria: Invitae Variant Classification Sherloc (09022015). Collection method: clinical testing. Allele origin: germline.

CeGaT Center for Human Genetics Tuebingen
Classification: Likely benign. Last evaluated: 2023-08-01. Review status: criteria provided, single submitter. Criteria: CeGaT Center For Human Genetics Tuebingen Variant Classification Criteria Version 2. Collection method: clinical testing. Allele origin: germline. Affected: yes. Observed: 1 variant allele.
Comment: WFS1: BP4, BP7

Blueprint Genetics
Classification: Uncertain significance. Last evaluated: 2021-12-23. Review status: criteria provided, single submitter. Criteria: ACMG Guidelines, 2015. Collection method: clinical testing. Allele origin: germline.

PreventionGenetics, part of Exact Sciences
Classification: Likely benign for WFS1-related condition. Last evaluated: 2019-07-02. Review status: no assertion criteria provided. Collection method: clinical testing. Allele origin: germline. Not counted in ClinVar's aggregate classification.
Comment: This variant is classified as likely benign based on ACMG/AMP sequence variant interpretation guidelines (Richards et al. 2015 PMID: 25741868, with internal and published modifications).

NM_006005.3(WFS1):c.2379C>T (p.Arg793=)

Gene: WFS1 (wolframin ER transmembrane glycoprotein; plus strand). Cytogenetic location: 4p16.1.
Variant type: single nucleotide variant.
Coding change: c.2379C>T on transcript NM_006005.3 (MANE Select); coding-DNA position 2379, C replaced by T.
Protein change: p.Arg793=; no amino-acid change (arginine 793 retained).
Molecular consequence: synonymous variant.
Genome position (GRCh38, 1-based): chr4:6,302,174, C>T. VCF-style: chr4-6302174-C-T. GRCh37 (hg19) VCF-style: chr4-6303901-C-T.
Other names: c.2379C>T, p.Arg793= (NM_001145853.1).
Identifiers: ClinVar variation 1484389 (VCV001484389.34), dbSNP rs563113081, ClinGen allele CA2839711.